The following is an entry in ClinVar:

ClinVar aggregate classification (germline): Uncertain significance (1 of 4 stars; one submission).

gnomAD v4.1: 3 of 1,550,934 alleles (0.00019%); highest among the groups gnomAD compares: African/African-American, 0.0014%; no homozygotes.

Submission:

Women's Health and Genetics/Laboratory Corporation of America, LabCorp
Classification: Uncertain significance. Last evaluated: 2025-06-13. Review status: criteria provided, single submitter. Criteria: LabCorp Variant Classification Summary - May 2015. Collection method: clinical testing. Allele origin: germline.
Comment: Variant summary: NEB c.24312G>C (p.Ser8104Ser) alters a conserved nucleotide located close to a canonical splice site and therefore could affect mRNA splicing, leading to a significantly altered protein sequence. Several computational tools predict a significant impact on normal splicing: One predict the variant abolishes a canonical 5' splicing donor site. However, these predictions have yet to be confirmed by functional studies. The variant was absent in 156998 control chromosomes. The available data on variant occurrences in the general population are insufficient to allow any conclusion about variant significance. To our knowledge, no occurrence of c.24312G>C in individuals affected with Nemaline Myopathy 2 and no experimental evidence demonstrating its impact on protein function have been reported. No submitters have cited clinical-significance assessments for this variant to ClinVar. Based on the evidence outlined above, the variant was classified as uncertain significance.

NM_001164508.2(NEB):c.24207G>C (p.Ser8069=)

Genes: NEB (nebulin; minus strand), RIF1 (replication timing regulatory factor 1; plus strand). Cytogenetic location: 2q23.3.
Variant type: single nucleotide variant.
Coding change: c.24207G>C on transcript NM_001164508.2 (MANE Select); coding-DNA position 24207, G replaced by C.
Protein change: p.Ser8069=; no amino-acid change (serine 8069 retained).
Molecular consequence: synonymous variant. On other transcripts: intron variant (1).
Genome position (GRCh38, 1-based): chr2:151,498,260, C>G on the plus strand (G>C on the coding strand, the complement: NEB is on the minus strand). VCF-style: chr2-151498260-C-G. GRCh37 (hg19) VCF-style: chr2-152354774-C-G.
Other names: c.24207G>C, p.Ser8069= (NM_001164507.2); c.24312G>C, p.Ser8104= (NM_001271208.2); c.18826-1892G>C (NM_004543.5).
Identifiers: ClinVar variation 3907138 (VCV003907138.1).